The following is an entry in ClinVar:

ClinVar aggregate classification (germline): Uncertain significance. Review status: criteria provided, single submitter (1 of 4 stars). 2 submissions from 1 submitter: Uncertain significance (2). Last evaluated 2023-05-30.

Conditions:
Febrile seizures, familial, 2 (FEB2). Also called: Convulsions, familial febrile, 2. Identifiers: MedGen C1865342, MONDO:0011231.
Epilepsy, idiopathic generalized, susceptibility to, 17 (EIG17). Identifiers: MedGen C5561931, MONDO:0100519, OMIM 602477.

Submissions (2):

Institute of Human Genetics, University of Leipzig Medical Center
Classification: Uncertain significance for Epilepsy, idiopathic generalized, susceptibility to, 17. Last evaluated: 2023-05-30. Review status: criteria provided, single submitter. Criteria: ACMG Guidelines, 2015. Collection method: clinical testing. Allele origin: de novo. Inheritance: Autosomal dominant inheritance. Affected: yes.
Comment: Criteria applied: PS2_SUP,PM2_SUP

Institute of Human Genetics, University of Leipzig Medical Center
Classification: Uncertain significance for Epilepsy, idiopathic generalized, susceptibility to, 17. Last evaluated: 2022-03-23. Review status: criteria provided, single submitter. Criteria: ACMG Guidelines, 2015. Collection method: clinical testing. Allele origin: de novo. Inheritance: Autosomal dominant inheritance. Affected: yes.
Comment: the same text as in the submission from Institute of Human Genetics, University of Leipzig Medical Center above.

NM_001194.4(HCN2):c.1641del (p.Asn547fs)

Gene: HCN2 (hyperpolarization activated cyclic nucleotide gated potassium and sodium channel 2; plus strand). Cytogenetic location: 19p13.3.
Variant type: Deletion.
Coding change: c.1641del on transcript NM_001194.4 (MANE Select); coding-DNA position 1641, one base deleted (C; older notation c.1641delC).
Protein change: p.Asn547fs; shifts the reading frame from asparagine 547.
Molecular consequence: frameshift variant.
Genome position (GRCh38, 1-based): chr19:613,304, C deleted. VCF-style (leftmost placement, unchanged base first): chr19-613303-AC-A. GRCh37 (hg19) VCF-style: chr19-613303-AC-A.
Other names: short protein forms N547fs.
Identifiers: ClinVar variation 2576595 (VCV002576595.4), dbSNP rs2512457881, ClinGen allele CA2580613007.
Genomic context (GRCh38, chr19:613,303, plus strand): 5'-TGCAGGAGATCGTCAACTTCAACTGCCGGAAGCTGGTGGCCTCCATGCCGCTGTTCGCCA[AC>A]GCCGACCCCAACTTCGTCACGGCCATGCTGACCAAGCTCAAGTTCGAGGTCTTCCAGCCG-3'